The following is an entry in ClinVar:

ClinVar aggregate classification (germline): Uncertain significance (1 of 4 stars; one submission).

Submission:

GeneDx
Classification: Uncertain significance. Last evaluated: 2023-12-14. Review status: criteria provided, single submitter. Criteria: GeneDx Variant Classification Process June 2021. Collection method: clinical testing. Allele origin: germline. Affected: yes.
Comment: Not observed at significant frequency in large population cohorts (gnomAD); In silico analysis supports that this missense variant has a deleterious effect on protein structure/function; Has not been previously published as pathogenic or benign to our knowledge

NM_001374353.1(GLI2):c.1040G>A (p.Cys347Tyr)

Gene: GLI2 (GLI family zinc finger 2; plus strand). Cytogenetic location: 2q14.2.
Variant type: single nucleotide variant.
Coding change: c.1040G>A on transcript NM_001374353.1 (MANE Select); coding-DNA position 1040, G replaced by A.
Protein change: p.Cys347Tyr; replaces cysteine 347 with tyrosine.
Molecular consequence: missense variant.
Genome position (GRCh38, 1-based): chr2:120,970,587, G>A. VCF-style: chr2-120970587-G-A. GRCh37 (hg19) VCF-style: chr2-121728163-G-A.
Other names: c.1040G>A, p.Cys347Tyr (NM_001371271.1, NM_005270.5); c.665G>A, p.Cys222Tyr (NM_001374354.1); short protein forms C222Y, C347Y.
Identifiers: ClinVar variation 3365775 (VCV003365775.1).